The following is an entry in ClinVar:

ClinVar aggregate classification (germline): Likely pathogenic (1 of 4 stars; one submission).

Submission:

GeneDx
Classification: Likely pathogenic. Last evaluated: 2018-08-10. Review status: criteria provided, single submitter. Criteria: GeneDx Variant Classification (06012015). Collection method: clinical testing. Allele origin: germline. Affected: yes.
Comment: A variant that is likely pathogenic has been identified in the IQSEC2 gene. The c.4255dupC variant has not been published as a pathogenic variant, nor has it been reported as a benign variant to our knowledge. The c.4255dupC variant is not observed in large population cohorts (Lek et al., 2016). The c.4255dupC likely pathogenic variant causes a frameshift starting with codon Histidine 1419, changes this amino acid to a Proline residue and creates a premature Stop codon at position 188 of the new reading frame, denoted p.His1419ProfsX188. This variant is predicted to cause loss of normal protein function, as the last 70 amino acids are replaced by 187 incorrect amino acids. Therefore, this variant is likely pathogenic; however, the possibility that it is benign cannot be excluded.

NM_001111125.3(IQSEC2):c.4255dup (p.His1419fs)

Gene: IQSEC2 (IQ motif and Sec7 domain ArfGEF 2; minus strand). Cytogenetic location: Xp11.22.
Variant type: Duplication.
Coding change: c.4255dup on transcript NM_001111125.3 (MANE Select); coding-DNA position 4255, one base duplicated (C; older notation c.4255dupC).
Protein change: p.His1419fs; shifts the reading frame from histidine 1419.
Molecular consequence: frameshift variant. On other transcripts: 3 prime UTR variant (1).
Genome position (GRCh38, 1-based): chrX:53,234,431, G duplicated on the plus strand (C on the coding strand, the reverse complement: IQSEC2 is on the minus strand); the first of 5 consecutive G bases (chrX:53,234,431-53,234,435); duplicating any one gives the same sequence. VCF-style (leftmost placement, unchanged base first): chrX-53234430-T-TG. GRCh37 (hg19) VCF-style: chrX-53263612-T-TG.
Other names: c.*740dup (NM_015075.2); short protein forms H1419fs.
Identifiers: ClinVar variation 817176 (VCV000817176.1), dbSNP rs1602256663, ClinGen allele CA915951122.